The following is an entry in ClinVar:

ClinVar aggregate classification (germline): Uncertain significance (1 of 4 stars; one submission).

Submission:

Labcorp Genetics (formerly Invitae), Labcorp
Classification: Uncertain significance. Last evaluated: 2024-09-24. Review status: criteria provided, single submitter. Criteria: Invitae Variant Classification Sherloc (09022015). Collection method: clinical testing. Allele origin: germline.
Comment: This sequence change replaces valine, which is neutral and non-polar, with isoleucine, which is neutral and non-polar, at codon 712 of the C6 protein (p.Val712Ile). This variant is not present in population databases (gnomAD no frequency). This variant has not been reported in the literature in individuals affected with C6-related conditions. ClinVar contains an entry for this variant (Variation ID: 1931949). An algorithm developed to predict the effect of missense changes on protein structure and function outputs the following: PolyPhen-2: "Benign". The isoleucine amino acid residue is found in multiple mammalian species, which suggests that this missense change does not adversely affect protein function. In summary, the available evidence is currently insufficient to determine the role of this variant in disease. Therefore, it has been classified as a Variant of Uncertain Significance.

NM_000065.5(C6):c.2134G>A (p.Val712Ile)

Gene: C6 (complement C6; minus strand). Cytogenetic location: 5p13.1.
Variant type: single nucleotide variant.
Coding change: c.2134G>A on transcript NM_000065.5 (MANE Select); coding-DNA position 2134, G replaced by A.
Protein change: p.Val712Ile; replaces valine 712 with isoleucine.
Molecular consequence: missense variant.
Genome position (GRCh38, 1-based): chr5:41,153,966, C>T on the plus strand (G>A on the coding strand, the complement: C6 is on the minus strand). VCF-style: chr5-41153966-C-T. GRCh37 (hg19) VCF-style: chr5-41154068-C-T.
Other names: c.2134G>A, p.Val712Ile (NM_001115131.4); short protein forms V712I.
Identifiers: ClinVar variation 1931949 (VCV001931949.5), dbSNP rs140825759, ClinGen allele CA359594877.